The following is an entry in ClinVar:

ClinVar aggregate classification (germline): Uncertain significance (1 of 4 stars; one submission).

Conditions:
Hereditary cancer-predisposing syndrome. Also called: Tumor predisposition; Neoplastic Syndromes, Hereditary; Hereditary Cancer Syndrome; Hereditary neoplastic syndrome. Identifiers: Orphanet 140162, MedGen C0027672, MeSH D009386, MONDO:0015356.

Submission:

Ambry Genetics
Classification: Uncertain significance for Hereditary cancer-predisposing syndrome. Last evaluated: 2024-10-20. Review status: criteria provided, single submitter. Criteria: Ambry Variant Classification Scheme 2023. Collection method: clinical testing. Allele origin: germline.
Comment: The p.F1146C variant (also known as c.3437T>G), located in coding exon 17 of the BLM gene, results from a T to G substitution at nucleotide position 3437. The phenylalanine at codon 1146 is replaced by cysteine, an amino acid with highly dissimilar properties. This amino acid position is conserved. In addition, the in silico prediction for this alteration is inconclusive. Based on the available evidence, the clinical significance of this variant remains unclear.

NM_000057.4(BLM):c.3437T>G (p.Phe1146Cys)

Gene: BLM (BLM RecQ like helicase; plus strand). Cytogenetic location: 15q26.1.
Variant type: single nucleotide variant.
Coding change: c.3437T>G on transcript NM_000057.4 (MANE Select); coding-DNA position 3437, T replaced by G.
Protein change: p.Phe1146Cys; replaces phenylalanine 1146 with cysteine.
Molecular consequence: missense variant. On other transcripts: intron variant (1).
Genome position (GRCh38, 1-based): chr15:90,803,599, T>G. VCF-style: chr15-90803599-T-G. GRCh37 (hg19) VCF-style: chr15-91346829-T-G.
Other names: c.3437T>G, p.Phe1146Cys (NM_001287246.2); c.2312T>G, p.Phe771Cys (NM_001287248.2); c.3358+5262T>G (NM_001287247.2); short protein forms F771C, F1146C.
Identifiers: ClinVar variation 3480882 (VCV003480882.1).